The following is an entry in ClinVar:

NM_001041.4(SI):c.4538T>A (p.Ile1513Asn)

Gene: SI (sucrase-isomaltase; minus strand). Cytogenetic location: 3q26.1.
Variant type: single nucleotide variant.
Coding change: c.4538T>A on transcript NM_001041.4 (MANE Select); coding-DNA position 4538, T replaced by A.
Protein change: p.Ile1513Asn; replaces isoleucine 1513 with asparagine.
Molecular consequence: missense variant.
Genome position (GRCh38, 1-based): chr3:164,998,542, A>T on the plus strand (T>A on the coding strand, the complement: SI is on the minus strand). VCF-style: chr3-164998542-A-T. GRCh37 (hg19) VCF-style: chr3-164716330-A-T.
Other names: short protein forms I1513N.
Identifiers: ClinVar variation 1473676 (VCV001473676.5), dbSNP rs1219075046, ClinGen allele CA355030647.

ClinVar aggregate classification (germline): Uncertain significance (1 of 4 stars; one submission).

Allele frequency attached by ClinVar (database versions not stated): gnomAD 0.00001; TOPMed below 0.00001.
gnomAD v4.1: 5 of 1,611,818 alleles (0.00031%); highest among the groups gnomAD compares: Non-Finnish European, 0.00042%; no homozygotes.

Submission:

Labcorp Genetics (formerly Invitae), Labcorp
Classification: Uncertain significance. Last evaluated: 2021-08-14. Review status: criteria provided, single submitter. Criteria: Invitae Variant Classification Sherloc (09022015). Collection method: clinical testing. Allele origin: germline.
Comment: This sequence change replaces isoleucine with asparagine at codon 1513 of the SI protein (p.Ile1513Asn). The isoleucine residue is highly conserved and there is a large physicochemical difference between isoleucine and asparagine. This variant is not present in population databases (ExAC no frequency). This variant has not been reported in the literature in individuals affected with SI-related conditions. Algorithms developed to predict the effect of missense changes on protein structure and function are either unavailable or do not agree on the potential impact of this missense change (SIFT: "Deleterious"; PolyPhen-2: "Probably Damaging"; Align-GVGD: "Class C15"). In summary, the available evidence is currently insufficient to determine the role of this variant in disease. Therefore, it has been classified as a Variant of Uncertain Significance.